The following is an entry in ClinVar:

NM_000719.7(CACNA1C):c.1480G>C (p.Ala494Pro)

Gene: CACNA1C (calcium voltage-gated channel subunit alpha1 C; plus strand). Cytogenetic location: 12p13.33.
Variant type: single nucleotide variant.
Coding change: c.1480G>C on transcript NM_000719.7 (MANE Select); coding-DNA position 1480, G replaced by C.
Protein change: p.Ala494Pro; replaces alanine 494 with proline.
Molecular consequence: missense variant.
Genome position (GRCh38, 1-based): chr12:2,550,032, G>C. VCF-style: chr12-2550032-G-C. GRCh37 (hg19) VCF-style: chr12-2659198-G-C.
Other names: c.1480G>C, p.Ala494Pro (NM_001129827.2, NM_001129829.2, NM_001129830.3 and 18 more transcripts); c.1471G>C, p.Ala491Pro (NM_001129844.2); short protein forms A491P, A494P.
Identifiers: ClinVar variation 3373461 (VCV003373461.1).
Genomic context (GRCh38, chr12:2,550,032, plus strand): 5'-GTCAACACCGAAAACGTGGCTGGAGGTGACATCGAGGGAGAAAACTGCGGGGCCAGGCTG[G>C]CGTGAGTAGGCACGGCGAGCCCAGGGGCTGGGGCTTTTTCTGGAGCATGGGTGGAAAAGC-3'
Protein context (NP_000710.5, residues 484-504): IEGENCGARL[Ala494Pro]HRISKSKFSR

ClinVar aggregate classification (germline): Uncertain significance (1 of 4 stars; one submission).

Submission:

GeneDx
Classification: Uncertain significance. Last evaluated: 2024-04-30. Review status: criteria provided, single submitter. Criteria: GeneDx Variant Classification Process June 2021. Collection method: clinical testing. Allele origin: germline. Affected: yes.
Comment: Not observed at significant frequency in large population cohorts (gnomAD); In silico analysis supports that this missense variant has a deleterious effect on protein structure/function; Has not been previously published as pathogenic or benign to our knowledge